The following is an entry in ClinVar:

NM_201384.3(PLEC):c.342+5G>A

Gene: PLEC (plectin; minus strand). Cytogenetic location: 8q24.3.
Variant type: single nucleotide variant.
Coding change: c.342+5G>A on transcript NM_201384.3 (MANE Select); 5 bases into the intron after coding-DNA position 342, G replaced by A.
Molecular consequence: intron variant.
Genome position (GRCh38, 1-based): chr8:143,937,160, C>T on the plus strand (G>A on the coding strand, the complement: PLEC is on the minus strand). VCF-style: chr8-143937160-C-T. GRCh37 (hg19) VCF-style: chr8-145011328-C-T.
Other names: c.246+5G>A (NM_201381.3); c.342+5G>A (NM_201382.4); c.354+5G>A (NM_201383.3); c.423+5G>A (NM_000445.5); c.300+5G>A (NM_201378.4); c.276+5G>A (NM_201379.3); c.753+5G>A (NM_201380.4).
Identifiers: ClinVar variation 1038822 (VCV001038822.5), dbSNP rs782706346, ClinGen allele CA4928491.

ClinVar aggregate classification (germline): Uncertain significance (1 of 4 stars; one submission).

Conditions:
Epidermolysis bullosa simplex 5C, with pyloric atresia (EBS5C). Also called: PLEC1-Related Epidermolysis Bullosa with Pyloric Atresia; Epidermolysis bullosa simplex with pyloric atresia; PLEC-Related Epidermolysis Bullosa with Pyloric Atresia. Identifiers: Orphanet 158684, MedGen C2677349, MONDO:0012807, OMIM 612138.
Epidermolysis bullosa simplex 5B, with muscular dystrophy (EBS5B). Also called: EPIDERMOLYSIS BULLOSA SIMPLEX AND LIMB-GIRDLE MUSCULAR DYSTROPHY; Epidermolysis bullosa simplex with muscular dystrophy. Identifiers: Orphanet 257, MedGen C2931072, MONDO:0009181, OMIM 226670.
Epidermolysis bullosa simplex with nail dystrophy (EBS5D). Identifiers: MedGen C4225309, MONDO:0014661, OMIM 616487.
Epidermolysis bullosa simplex, Ogna type (EBS5A). Also called: Pidermolysis bullosa simplex 5A, Ogna type; EPIDERMOLYSIS BULLOSA SIMPLEX 5A, OGNA TYPE. Identifiers: Orphanet 79401, MedGen C0432317, MONDO:0007555, OMIM 131950.
Autosomal recessive limb-girdle muscular dystrophy type 2Q (LGMDR17). Also called: MUSCULAR DYSTROPHY, LIMB-GIRDLE, AUTOSOMAL RECESSIVE 17. Identifiers: Orphanet 254361, MedGen C3150989, MONDO:0013390, OMIM 613723.

Allele frequency attached by ClinVar (database versions not stated): gnomAD exomes 0.00001 and 0.00003; TOPMed 0.00002; ExAC 0.00003.
gnomAD v4.1: 8 of 1,612,144 alleles (0.0005%); highest among the groups gnomAD compares: Admixed American, 0.013%; no homozygotes.

Submission:

Labcorp Genetics (formerly Invitae), Labcorp
Classification: Uncertain significance for Autosomal recessive limb-girdle muscular dystrophy type 2Q; Epidermolysis bullosa simplex, Ogna type; Epidermolysis bullosa simplex with nail dystrophy; Epidermolysis bullosa simplex 5C, with pyloric atresia; Epidermolysis bullosa simplex 5B, with muscular dystrophy. Last evaluated: 2025-10-15. Review status: criteria provided, single submitter. Criteria: Invitae Variant Classification Sherloc (09022015). Collection method: clinical testing. Allele origin: germline.
Comment: This sequence change falls in intron 5 of the PLEC gene. It does not directly change the encoded amino acid sequence of the PLEC protein. It affects a nucleotide within the consensus splice site. This variant is present in population databases (rs782706346, gnomAD 0.02%). This variant has not been reported in the literature in individuals affected with PLEC-related conditions. ClinVar contains an entry for this variant (Variation ID: 1038822). Variants that disrupt the consensus splice site are a relatively common cause of aberrant splicing (PMID: 17576681, 9536098). Algorithms developed to predict the effect of sequence changes on RNA splicing suggest that this variant is not likely to affect RNA splicing. In summary, the available evidence is currently insufficient to determine the role of this variant in disease. Therefore, it has been classified as a Variant of Uncertain Significance.

Literature cited by the submitters: PubMed 17576681; PubMed 9536098.